The following is an entry in ClinVar:

ClinVar aggregate classification (germline): Uncertain significance. Review status: criteria provided, multiple submitters, no conflicts (2 of 4 stars). 2 submissions from 2 submitters: Uncertain significance (2). Last evaluated 2025-11-10.

Conditions:
Hereditary cancer-predisposing syndrome. Also called: Hereditary Cancer Syndrome; Neoplastic Syndromes, Hereditary; Hereditary neoplastic syndrome; Tumor predisposition. Identifiers: Orphanet 140162, MedGen C0027672, MeSH D009386, MONDO:0015356.
Familial melanoma. Also called: Hereditary melanoma; Hereditary cutaneous melanoma. Identifiers: Orphanet 618, MedGen C1512419, MONDO:0018961.

Submissions (2):

Ambry Genetics
Classification: Uncertain significance for Hereditary cancer-predisposing syndrome. Last evaluated: 2025-11-10. Review status: criteria provided, single submitter. Criteria: Ambry Variant Classification Scheme 2023. Collection method: clinical testing. Allele origin: germline.
Comment: The p.S189A variant (also known as c.565T>G), located in coding exon 4 of the CDK4 gene, results from a T to G substitution at nucleotide position 565. The serine at codon 189 is replaced by alanine, an amino acid with similar properties. This amino acid position is well conserved in available vertebrate species. In addition, this alteration is predicted to be tolerated by in silico analysis. Based on the available evidence, the clinical significance of this variant remains unclear.

Labcorp Genetics (formerly Invitae), Labcorp
Classification: Uncertain significance for Familial melanoma. Last evaluated: 2025-06-03. Review status: criteria provided, single submitter. Criteria: Invitae Variant Classification Sherloc (09022015). Collection method: clinical testing. Allele origin: germline.
Comment: This sequence change replaces serine, which is neutral and polar, with alanine, which is neutral and non-polar, at codon 189 of the CDK4 protein (p.Ser189Ala). This variant is not present in population databases (gnomAD no frequency). This variant has not been reported in the literature in individuals affected with CDK4-related conditions. ClinVar contains an entry for this variant (Variation ID: 3651699). An algorithm developed to predict the effect of missense changes on protein structure and function (PolyPhen-2) suggests that this variant is likely to be tolerated. In summary, the available evidence is currently insufficient to determine the role of this variant in disease. Therefore, it has been classified as a Variant of Uncertain Significance.

NM_000075.4(CDK4):c.565T>G (p.Ser189Ala)

Gene: CDK4 (cyclin dependent kinase 4; minus strand). Cytogenetic location: 12q14.1.
Variant type: single nucleotide variant.
Coding change: c.565T>G on transcript NM_000075.4 (MANE Select); coding-DNA position 565, T replaced by G.
Protein change: p.Ser189Ala; replaces serine 189 with alanine.
Molecular consequence: missense variant.
Genome position (GRCh38, 1-based): chr12:57,750,723, A>C on the plus strand (T>G on the coding strand, the complement: CDK4 is on the minus strand). VCF-style: chr12-57750723-A-C. GRCh37 (hg19) VCF-style: chr12-58144506-A-C.
Other names: c.565T>G (NM_000075.3); short protein forms S189A.
Identifiers: ClinVar variation 3651699 (VCV003651699.3).